The following is an entry in ClinVar:

NM_015404.4(WHRN):c.2645G>A (p.Arg882His)

Gene: WHRN (whirlin; minus strand). Cytogenetic location: 9q32.
Variant type: single nucleotide variant.
Coding change: c.2645G>A on transcript NM_015404.4 (MANE Select); coding-DNA position 2645, G replaced by A.
Protein change: p.Arg882His; replaces arginine 882 with histidine.
Molecular consequence: missense variant.
Genome position (GRCh38, 1-based): chr9:114,402,833, C>T on the plus strand (G>A on the coding strand, the complement: WHRN is on the minus strand). VCF-style: chr9-114402833-C-T. GRCh37 (hg19) VCF-style: chr9-117165113-C-T.
Other names: c.2645G>A (NM_015404.2); c.1496G>A, p.Arg499His (NM_001083885.3); c.2642G>A, p.Arg881His (NM_001173425.2); c.1592G>A, p.Arg531His (NM_001346890.1); short protein forms R531H, R882H, R499H, R881H.
Identifiers: ClinVar variation 667361 (VCV000667361.21), dbSNP rs760928525, ClinGen allele CA5205562.

ClinVar aggregate classification (germline): Uncertain significance. Review status: criteria provided, multiple submitters, no conflicts (2 of 4 stars). 5 submissions from 5 submitters: Uncertain significance (5). Last evaluated 2026-06-11.

Allele frequency attached by ClinVar (database versions not stated): gnomAD 0.00002; ExAC 0.00003; TOPMed 0.00003; gnomAD exomes 0.00004 and 0.00010.
gnomAD v4.1: 151 of 1,613,992 alleles (0.0094%); highest among the groups gnomAD compares: Middle Eastern, 0.016%; 1 homozygote.

Submissions (5):

GeneDx
Classification: Uncertain significance. Last evaluated: 2026-06-11. Review status: criteria provided, single submitter. Criteria: GeneDx Variant Classification Process June 2021. Collection method: clinical testing. Allele origin: germline.
Comment: In silico analysis supports that this missense variant has a deleterious effect on protein structure/function; Has not been previously published as pathogenic or benign to our knowledge

CeGaT Center for Human Genetics Tuebingen
Classification: Uncertain significance. Last evaluated: 2026-04-01. Review status: criteria provided, single submitter. Criteria: CeGaT Center For Human Genetics Tuebingen Variant Classification Criteria Version 2. Collection method: clinical testing. Allele origin: germline. Affected: yes. Observed: 2 variant alleles.

Labcorp Genetics (formerly Invitae), Labcorp
Classification: Uncertain significance. Last evaluated: 2022-09-27. Review status: criteria provided, single submitter. Criteria: Invitae Variant Classification Sherloc (09022015). Collection method: clinical testing. Allele origin: germline.
Comment: This sequence change replaces arginine, which is basic and polar, with histidine, which is basic and polar, at codon 882 of the WHRN protein (p.Arg882His). This variant is present in population databases (rs760928525, gnomAD 0.007%), including at least one homozygous and/or hemizygous individual. This variant has not been reported in the literature in individuals affected with WHRN-related conditions. ClinVar contains an entry for this variant (Variation ID: 667361). Algorithms developed to predict the effect of missense changes on protein structure and function are either unavailable or do not agree on the potential impact of this missense change (SIFT: "Deleterious"; PolyPhen-2: "Probably Damaging"; Align-GVGD: "Class C0"). In summary, the available evidence is currently insufficient to determine the role of this variant in disease. Therefore, it has been classified as a Variant of Uncertain Significance.

Blueprint Genetics
Classification: Uncertain significance. Last evaluated: 2022-06-20. Review status: criteria provided, single submitter. Criteria: ACMG Guidelines, 2015. Collection method: clinical testing. Allele origin: germline.

Laboratory for Molecular Medicine, Mass General Brigham Personalized Medicine
Classification: Uncertain significance. Last evaluated: 2019-02-05. Review status: criteria provided, single submitter. Criteria: LMM Criteria. Collection method: clinical testing. Allele origin: germline. Observed: 1 variant allele.
Comment: Variant classified as Uncertain Significance - Favor Benign. The p.Arg882His variant in WHRN has not been previously reported in individuals with Usher syndrome or hearing loss, but has been identified in 0.007% (10/127762) of European chromosomes by gnomAD, including 1 homozygote. Computational prediction tools and conservation analysis suggest that this variant may impact the protein, though this information is not predictive enough to determine pathogenicity. Furthermore, two different amino acid changes at this position (p.Arg882Cys and p.Arg882Ser) are present at high frequency in the general population, suggesting that changes to this position may be tolerated. In summary, while the clinical significance of the p.Arg882His variant is uncertain, these data suggest that it is more likely to be benign. ACMG/AMP Criteria applied: PM2_Supporting, PP3.